The following is an entry in ClinVar:

NM_199420.4(POLQ):c.1384C>T (p.Pro462Ser)

Gene: POLQ (DNA polymerase theta; minus strand). Cytogenetic location: 3q13.33.
Variant type: single nucleotide variant.
Coding change: c.1384C>T on transcript NM_199420.4 (MANE Select); coding-DNA position 1384, C replaced by T.
Protein change: p.Pro462Ser; replaces proline 462 with serine.
Molecular consequence: missense variant.
Genome position (GRCh38, 1-based): chr3:121,519,955, G>A on the plus strand (C>T on the coding strand, the complement: POLQ is on the minus strand). VCF-style: chr3-121519955-G-A. GRCh37 (hg19) VCF-style: chr3-121238802-G-A.
Other names: short protein forms P462S.
Identifiers: ClinVar variation 3422533 (VCV003422533.1).
Genomic context (GRCh38, chr3:121,519,955, plus strand): 5'-CAGCACGGCCAACCATCTGCTTATAAGTAAGAATATCTAGAGGTCGACCACCAAAAATAG[G>A]GGTTCGAATAATCACACGACGTGCAGGTAAATTCACCCCAGAAGAAAGAGTAGAAGTTGC-3'
Protein context (NP_955452.3, residues 452-472): LPARRVIIRT[Pro462Ser]IFGGRPLDIL

ClinVar aggregate classification (germline): Uncertain significance (1 of 4 stars; one submission).

Submission:

Ambry Genetics
Classification: Uncertain significance. Last evaluated: 2024-09-06. Review status: criteria provided, single submitter. Criteria: Ambry Variant Classification Scheme 2023. Collection method: clinical testing. Allele origin: germline.
Comment: The p.P462S variant (also known as c.1384C>T), located in coding exon 9 of the POLQ gene, results from a C to T substitution at nucleotide position 1384. The proline at codon 462 is replaced by serine, an amino acid with similar properties. This amino acid position is conserved. In addition, the in silico prediction for this alteration is inconclusive. Based on the available evidence, the clinical significance of this variant remains unclear.